The following is an entry in ClinVar:

NM_001042492.3(NF1):c.8310T>C (p.Leu2770=)

Gene: NF1 (neurofibromin 1; plus strand). Cytogenetic location: 17q11.2.
Variant type: single nucleotide variant.
Coding change: c.8310T>C on transcript NM_001042492.3 (MANE Select); coding-DNA position 8310, T replaced by C.
Protein change: p.Leu2770=; no amino-acid change (leucine 2770 retained).
Molecular consequence: synonymous variant.
Genome position (GRCh38, 1-based): chr17:31,360,636, T>C. VCF-style: chr17-31360636-T-C. GRCh37 (hg19) VCF-style: chr17-29687654-T-C.
Other names: c.8247T>C, p.Leu2749= (NM_000267.4).
Identifiers: ClinVar variation 4934660 (VCV004934660.3).

ClinVar aggregate classification (germline): Benign/Likely benign. Review status: criteria provided, multiple submitters, no conflicts (2 of 4 stars). 3 submissions from 3 submitters: Benign (1); Likely benign (2). Last evaluated 2026-09-23.

Conditions:
Neurofibromatosis, type 1 (NF1). Also called: VON RECKLINGHAUSEN DISEASE; NEUROFIBROMATOSIS, TYPE I, SOMATIC; Peripheral type neurofibromatosis; Neurofibromatosis, type I. Identifiers: Orphanet 636, MedGen C0027831, MONDO:0018975, OMIM 162200. Disease mechanism: loss of function.
Cardiovascular phenotype. Identifiers: MedGen CN230736.
Hereditary cancer-predisposing syndrome. Also called: Neoplastic Syndromes, Hereditary; Tumor predisposition; Hereditary neoplastic syndrome; Hereditary Cancer Syndrome. Identifiers: Orphanet 140162, MedGen C0027672, MeSH D009386, MONDO:0015356.

gnomAD v4.1: 1 of 1,614,092 alleles (0.000062%); highest among the groups gnomAD compares: Non-Finnish European, 0.000085%; no homozygotes.

Submissions (3):

Myriad Genetics, Inc.
Classification: Benign for Neurofibromatosis, type 1. Last evaluated: 2026-09-23. Review status: criteria provided, single submitter. Criteria: Myriad Autosomal Dominant, Autosomal Recessive and X-Linked Classification Criteria (2023). Collection method: clinical testing. Allele origin: unknown.
Comment: This variant is considered benign. This variant is a silent/synonymous amino acid change and it is not expected to impact splicing.

Ambry Genetics
Classification: Likely benign for Cardiovascular phenotype; Hereditary cancer-predisposing syndrome. Last evaluated: 2026-09-08. Review status: criteria provided, single submitter. Criteria: Ambry Variant Classification Scheme 2023. Collection method: clinical testing. Allele origin: germline.

Blueprint Genetics
Classification: Likely benign. Last evaluated: 2021-08-12. Review status: criteria provided, single submitter. Criteria: ACMG Guidelines, 2015. Collection method: clinical testing. Allele origin: germline.